The following is an entry in ClinVar:

NM_001286.5(CLCN6):c.397C>T (p.Leu133Phe)

Gene: CLCN6 (chloride voltage-gated channel 6; plus strand). Cytogenetic location: 1p36.22.
Variant type: single nucleotide variant.
Coding change: c.397C>T on transcript NM_001286.5 (MANE Select); coding-DNA position 397, C replaced by T.
Protein change: p.Leu133Phe; replaces leucine 133 with phenylalanine.
Molecular consequence: missense variant. On other transcripts: non-coding transcript variant (1).
Genome position (GRCh38, 1-based): chr1:11,822,745, C>T. VCF-style: chr1-11822745-C-T. GRCh37 (hg19) VCF-style: chr1-11882802-C-T.
Other names: c.331C>T, p.Leu111Phe (NM_001256959.2); short protein forms L133F, L111F.
Identifiers: ClinVar variation 4753060 (VCV004753060.1).
Genomic context (GRCh38, chr1:11,822,745, plus strand): 5'-GTTTCCGCAGCGGTGGAGGAGTGCAGCCAGAAAGGCTGCCTCGCTCTGTCTCTCCTTGAA[C>T]TCCTGGGTTTTAACCTCACCTTTGTCTTCCTGGCAAGCCTCCTTGTTCTCATTGAGGTGA-3'
Protein context (NP_001277.2, residues 123-143): KGCLALSLLE[Leu133Phe]LGFNLTFVFL

ClinVar aggregate classification (germline): Uncertain significance (1 of 4 stars; one submission).

gnomAD v4.1: 3 of 1,614,118 alleles (0.00019%); highest among the groups gnomAD compares: East Asian, 0.0022%; no homozygotes.

Submission:

Labcorp Genetics (formerly Invitae), Labcorp
Classification: Uncertain significance. Last evaluated: 2025-08-31. Review status: criteria provided, single submitter. Criteria: Invitae Variant Classification Sherloc (09022015). Collection method: clinical testing. Allele origin: germline.
Comment: This sequence change replaces leucine, which is neutral and non-polar, with phenylalanine, which is neutral and non-polar, at codon 133 of the CLCN6 protein (p.Leu133Phe). This variant is present in population databases (no rsID available, gnomAD 0.006%). This variant has not been reported in the literature in individuals affected with CLCN6-related conditions. An algorithm developed to predict the effect of missense changes on protein structure and function (PolyPhen-2) suggests that this variant is likely to be tolerated. In summary, the available evidence is currently insufficient to determine the role of this variant in disease. Therefore, it has been classified as a Variant of Uncertain Significance.